The following is an entry in ClinVar:

NM_032634.4(PIGO):c.2158G>A (p.Ala720Thr)

Gene: PIGO (phosphatidylinositol glycan anchor biosynthesis class O; minus strand). Cytogenetic location: 9p13.3.
Variant type: single nucleotide variant.
Coding change: c.2158G>A on transcript NM_032634.4 (MANE Select); coding-DNA position 2158, G replaced by A.
Protein change: p.Ala720Thr; replaces alanine 720 with threonine.
Molecular consequence: missense variant. On other transcripts: intron variant (2).
Genome position (GRCh38, 1-based): chr9:35,091,729, C>T on the plus strand (G>A on the coding strand, the complement: PIGO is on the minus strand). VCF-style: chr9-35091729-C-T. GRCh37 (hg19) VCF-style: chr9-35091726-C-T.
Other names: c.1345-438G>A (NM_152850.4, NM_001201484.2); short protein forms A720T.
Identifiers: ClinVar variation 839618 (VCV000839618.9), dbSNP rs1829430826, ClinGen allele CA373320662.

ClinVar aggregate classification (germline): Uncertain significance (1 of 4 stars; one submission).

Conditions:
Hyperphosphatasia with impaired intellectual development syndrome 2. Also called: Hyperphosphatasia with intellectual disability syndrome 2; GLYCOSYLPHOSPHATIDYLINOSITOL BIOSYNTHESIS DEFECT 6. Identifiers: Orphanet 247262, MedGen C3553637, MONDO:0013882, OMIM 614749.

Allele frequency attached by ClinVar (database versions not stated): gnomAD exomes 0.00002.

Submission:

Labcorp Genetics (formerly Invitae), Labcorp
Classification: Uncertain significance for Hyperphosphatasia with impaired intellectual development syndrome 2. Last evaluated: 2022-06-26. Review status: criteria provided, single submitter. Criteria: Invitae Variant Classification Sherloc (09022015). Collection method: clinical testing. Allele origin: germline.
Comment: In summary, the available evidence is currently insufficient to determine the role of this variant in disease. Therefore, it has been classified as a Variant of Uncertain Significance. Algorithms developed to predict the effect of missense changes on protein structure and function are either unavailable or do not agree on the potential impact of this missense change (SIFT: "Tolerated"; PolyPhen-2: "Probably Damaging"; Align-GVGD: "Class C0"). ClinVar contains an entry for this variant (Variation ID: 839618). This variant has not been reported in the literature in individuals affected with PIGO-related conditions. This variant is not present in population databases (gnomAD no frequency). This sequence change replaces alanine, which is neutral and non-polar, with threonine, which is neutral and polar, at codon 720 of the PIGO protein (p.Ala720Thr).